The following is an entry in ClinVar:

ClinVar aggregate classification (germline): Uncertain significance (1 of 4 stars; one submission).

Conditions:
Aniridia 1 (AN1). Identifiers: Orphanet 250923, MedGen C0344542, MONDO:0024507, OMIM 106210.
Irido-corneo-trabecular dysgenesis (ASGD5). Also called: ANTERIOR SEGMENT DYSGENESIS 5. Identifiers: Orphanet 708, MedGen C0344559, MONDO:0011414, OMIM 604229, HP:0000659.

Submission:

Labcorp Genetics (formerly Invitae), Labcorp
Classification: Uncertain significance for Aniridia 1; Irido-corneo-trabecular dysgenesis. Last evaluated: 2025-12-09. Review status: criteria provided, single submitter. Criteria: Invitae Variant Classification Sherloc (09022015). Collection method: clinical testing. Allele origin: germline.
Comment: This sequence change replaces threonine, which is neutral and polar, with serine, which is neutral and polar, at codon 310 of the PAX6 protein (p.Thr310Ser). This variant is not present in population databases (gnomAD no frequency). This variant has not been reported in the literature in individuals affected with PAX6-related conditions. Invitae Evidence Modeling of protein sequence and biophysical properties (such as structural, functional, and spatial information, amino acid conservation, physicochemical variation, residue mobility, and thermodynamic stability) indicates that this missense variant is not expected to disrupt PAX6 protein function with a negative predictive value of 80%. In summary, the available evidence is currently insufficient to determine the role of this variant in disease. Therefore, it has been classified as a Variant of Uncertain Significance.

NM_001368894.2(PAX6):c.970A>T (p.Thr324Ser)

Gene: PAX6 (paired box 6; minus strand). Cytogenetic location: 11p13.
Variant type: single nucleotide variant.
Coding change: c.970A>T on transcript NM_001368894.2 (MANE Select); coding-DNA position 970, A replaced by T.
Protein change: p.Thr324Ser; replaces threonine 324 with serine.
Molecular consequence: missense variant. On other transcripts: non-coding transcript variant (2).
Genome position (GRCh38, 1-based): chr11:31,793,542, T>A on the plus strand (A>T on the coding strand, the complement: PAX6 is on the minus strand). VCF-style: chr11-31793542-T-A. GRCh37 (hg19) VCF-style: chr11-31815090-T-A.
Other names: c.928A>T, p.Thr310Ser (NM_000280.6, NM_001127612.3, NM_001258464.2 and 10 more transcripts); c.970A>T, p.Thr324Ser (NM_001258462.3, NM_001258463.2, NM_001310158.2 and 6 more transcripts); c.520A>T, p.Thr174Ser (NM_001310160.2, NM_001310161.3, NM_001368899.2 and 11 more transcripts); c.1171A>T, p.Thr391Ser (NM_001368910.2); c.973A>T, p.Thr325Ser (NM_001368911.2); c.1045A>T, p.Thr349Ser (NM_001368918.2, NM_001368919.2); c.1003A>T, p.Thr335Ser (NM_001368920.2); c.769A>T, p.Thr257Ser (NM_001368921.2, NM_001368922.2, NM_001368923.2 and 4 more transcripts); and 2 more; short protein forms T349S, T310S, T325S, T109S, T174S, T243S, T257S, T335S.
Identifiers: ClinVar variation 4782965 (VCV004782965.1).
Genomic context (GRCh38, chr11:31,793,542, plus strand): 5'-GCAGAGCGCTGTAGGTGTTTGTGAGGGCTGTGTCTGTTCGGCCCAACATGGAGCCAGATG[T>A]GAAGGAGGAAACTGAGGGCAAGAGAAATGACAGTAGTCAGAGTGAGAGTCAGAGCCCGGA-3'
Protein context (NP_001355823.1, residues 314-334): PQPTTPVSSF[Thr324Ser]SGSMLGRTDT